The following is an entry in ClinVar:

NM_000400.4(ERCC2):c.166A>G (p.Ile56Val)

Gene: ERCC2 (ERCC excision repair 2, TFIIH core complex helicase subunit; minus strand). Cytogenetic location: 19q13.32.
Variant type: single nucleotide variant.
Coding change: c.166A>G on transcript NM_000400.4 (MANE Select); coding-DNA position 166, A replaced by G.
Protein change: p.Ile56Val; replaces isoleucine 56 with valine.
Molecular consequence: missense variant.
Genome position (GRCh38, 1-based): chr19:45,369,087, T>C on the plus strand (A>G on the coding strand, the complement: ERCC2 is on the minus strand). VCF-style: chr19-45369087-T-C. GRCh37 (hg19) VCF-style: chr19-45872345-T-C.
Other names: c.94A>G, p.Ile32Val (NM_001130867.2); short protein forms I32V, I56V.
Identifiers: ClinVar variation 3509810 (VCV003509810.1).

ClinVar aggregate classification (germline): Uncertain significance (1 of 4 stars; one submission).

Conditions:
Inborn genetic diseases. Identifiers: MedGen C0950123, MeSH D030342.

Submission:

Ambry Genetics
Classification: Uncertain significance for Inborn genetic diseases. Last evaluated: 2024-09-23. Review status: criteria provided, single submitter. Criteria: Ambry Variant Classification Scheme 2023. Collection method: clinical testing. Allele origin: germline.
Comment: The p.I56V variant (also known as c.166A>G), located in coding exon 3 of the ERCC2 gene, results from an A to G substitution at nucleotide position 166. The isoleucine at codon 56 is replaced by valine, an amino acid with highly similar properties. This amino acid position is conserved. In addition, the in silico prediction for this alteration is inconclusive. Based on the available evidence, the clinical significance of this variant remains unclear.